The following is an entry in ClinVar:

ClinVar aggregate classification (germline): Pathogenic (1 of 4 stars; one submission).

Conditions:
Autosomal recessive titinopathy. Identifiers: MedGen CN315649, MONDO:0100493.

Submission:

Myofin, Folkhalsan Research Center
Classification: Pathogenic for Autosomal recessive titinopathy. Last evaluated: 2026-02-06. Review status: criteria provided, single submitter. Criteria: ACMG Guidelines, 2015. Collection method: research. Allele origin: germline. Affected: yes.
Comment: TTN loss-of-function is an established mechanism for autosomal recessive titinopathies. ACMG/AMP criteria applied: PVS1 (predicted loss of function), PM2_Supporting (absent/rare in population databases), and PP4_Supporting (highly consistent clinical phenotype). Overall classification: Pathogenic for recessive titinopathy.

Literature cited by the submitters: DOI 10.1101/2025.07.17.25331126.

NM_001267550.2(TTN):c.37543+1G>T

Gene: TTN (titin; minus strand). Cytogenetic location: 2q31.2.
Variant type: single nucleotide variant.
Coding change: c.37543+1G>T on transcript NM_001267550.2 (MANE Select); the canonical splice donor site of the intron after coding-DNA position 37543, G replaced by T.
Molecular consequence: splice donor variant. On other transcripts: intron variant (5).
Genome position (GRCh38, 1-based): chr2:178,658,704, C>A on the plus strand (G>T on the coding strand, the complement: TTN is on the minus strand). VCF-style: chr2-178658704-C-A. GRCh37 (hg19) VCF-style: chr2-179523431-C-A.
Other names: c.13283-16387G>T (NM_003319.4); c.13859-16387G>T (NM_133437.4); c.13658-16387G>T (NM_133432.3); c.31741+301G>T (NM_133378.4); c.34522+301G>T (NM_001256850.1).
Identifiers: ClinVar variation 4795228 (VCV004795228.1).